The following is an entry in ClinVar:

NM_000254.3(MTR):c.*4461T>G

Gene: MTR (5-methyltetrahydrofolate-homocysteine methyltransferase; plus strand). Cytogenetic location: 1q43.
Variant type: single nucleotide variant.
Coding change: c.*4461T>G on transcript NM_000254.3 (MANE Select); 4461 bases downstream of the stop codon, T replaced by G.
Molecular consequence: 3 prime UTR variant.
Genome position (GRCh38, 1-based): chr1:236,902,105, T>G. VCF-style: chr1-236902105-T-G. GRCh37 (hg19) VCF-style: chr1-237065405-T-G.
Other names: c.*4461T>G (NM_001291939.1, NM_001291940.2).
Identifiers: ClinVar variation 296672 (VCV000296672.5), dbSNP rs113118968, ClinGen allele CA10610687.
Genomic context (GRCh38, chr1:236,902,105, plus strand): 5'-TAGAGCTGGAAGAGTGGGCTCTCTGATTCTTTACACCCCCGCCTCAATCCTCCTGCTGCC[T>G]GAATAACCATCTCCCCGTGACCTAGGATATATCCCAGCCCCTTAGAGGCATGCAAAGCCT-3'

ClinVar aggregate classification (germline): Likely benign (1 of 4 stars; one submission).

Conditions:
Disorders of Intracellular Cobalamin Metabolism. Identifiers: MedGen CN043592.

Allele frequency attached by ClinVar (database versions not stated): gnomAD exomes 0.00413; gnomAD 0.02436 and 0.02599; TOPMed 0.02721; 1000 Genomes Project 0.02776; 1000 Genomes Project 30x 0.02811.
gnomAD v4.1: 3,665 of 152,400 alleles (2.4%); highest among the groups gnomAD compares: African/African-American, 8.4%; 168 homozygotes.

Submission:

Illumina Laboratory Services, Illumina
Classification: Likely benign for Disorders of Intracellular Cobalamin Metabolism. Last evaluated: 2017-04-27. Review status: criteria provided, single submitter. Criteria: ICSL Variant Classification Criteria 13 December 2019. Collection method: clinical testing. Allele origin: germline.
Comment: This variant was observed as part of a predisposition screen in an ostensibly healthy population. A literature search was performed for the gene, cDNA change, and amino acid change (where applicable). No publications were found based on this search. Allele frequency data from public databases allowed determination this variant is unlikely to cause disease. Therefore, this variant is classified as likely benign.